The following is an entry in ClinVar:

ClinVar aggregate classification (germline): Pathogenic/Likely pathogenic. Review status: criteria provided, multiple submitters, no conflicts (2 of 4 stars). 4 submissions from 4 submitters: Pathogenic (2); Likely pathogenic (2). Last evaluated 2023-10-02.

Conditions:
Thyroid dyshormonogenesis 6 (TDH6). Also called: HYPOTHYROIDISM, CONGENITAL, DUE TO DYSHORMONOGENESIS, 6; Genetic transient congenital hypothyroidism; THYROID HORMONOGENESIS, GENETIC DEFECT IN, 6. Identifiers: Orphanet 226316, Orphanet 95716, MedGen C1846632, MONDO:0011792, OMIM 607200.

Submissions (4):

Labcorp Genetics (formerly Invitae), Labcorp
Classification: Pathogenic. Last evaluated: 2023-10-02. Review status: criteria provided, single submitter. Criteria: Invitae Variant Classification Sherloc (09022015). Collection method: clinical testing. Allele origin: germline.
Comment: This sequence change creates a premature translational stop signal (p.Leu1114Serfs*56) in the DUOX2 gene. It is expected to result in an absent or disrupted protein product. Loss-of-function variants in DUOX2 are known to be pathogenic (PMID: 12110737, 18765513, 21565790, 24423310, 24735383). This variant is present in population databases (rs748194265, gnomAD 0.02%). This premature translational stop signal has been observed in individual(s) with congenital hypothyroidism (PMID: 26349762, 27108200). ClinVar contains an entry for this variant (Variation ID: 420593). For these reasons, this variant has been classified as Pathogenic.

Illumina Laboratory Services, Illumina
Classification: Likely pathogenic for Thyroid dyshormonogenesis 6. Last evaluated: 2018-10-16. Review status: criteria provided, single submitter. Criteria: ICSL Variant Classification Criteria 09 May 2019. Collection method: clinical testing. Allele origin: germline.
Comment: The DUOX2 c.3340delC (p.Leu1114SerfsTer56) variant results in a frameshift and is predicted to result in premature termination of the protein. The p.Leu1114SerfsTer56 variant has been reported in at least two studies and was found in a total of four probands in a compound heterozygous state (Fu et al. 2015; Fu et al. 2016). In one proband with transient congenital hypothyroidism, p.Leu1114SerfsTer56 was in trans with a missense variant. The three other probands had permanent congenital hypothyroidism, and the p.Leu1114SerfsTer56 variant was part of a complex allele. In the second proband, the p.Leu1114SerfsTer56 variant was in cis with a missense variant and this complex allele was in trans with a nonsense variant. Therefore, in these three probands, the p.Leu1114SerfsTer56 variant was in cis with at least one other variant. The pathogenicity of these other variants cannot be ruled out and the contribution of the p.Leu1114SerfsTer56 variant to the disease in the complex allele is not clear. The p.Leu1114SerfsTer56 variant was absent from 100 control individuals and is reported at a frequency of 0.00023 in the East Asian population of the Exome Aggregation Consortium. However, this frequency is based on two alleles only in a region of good sequence coverage; therefore, the variant is presumed to be rare. Based on the collective evidence and the potential impact of frameshift variants, the p.Leu1114SerfsTer56 variant is classified as likely pathogenic for congenital hypothyroidism. This variant was observed by ICSL as part of a predisposition screen in an ostensibly healthy population.

GeneDx
Classification: Likely pathogenic. Last evaluated: 2017-02-22. Review status: criteria provided, single submitter. Criteria: GeneDx Variant Classification (06012015). Collection method: clinical testing. Allele origin: germline. Affected: yes.
Comment: The c.3340delC variant in the DUOX2 gene has been reported previously in combination with another DUOX2 variant in multiple unrelated individuals with congenital hypothyroidism (Fu et al., 2015; Fu et al., 2016). The c.3340delC variant causes a frameshift starting with codon Leucine 1114, changes this amino acid to a Serine residue, and creates a premature Stop codon at position 56 of the new reading frame, denoted p.Leu1114SerfsX56. This variant is predicted to cause loss of normal protein function either through protein truncation or nonsense-mediated mRNA decay. The c.3340delC variant is not observed at a significant frequency in large population cohorts (Lek et al., 2016; 1000 Genomes Consortium et al., 2015; Exome Variant Server). The c.3340delC variant is a strong candidate for a pathogenic variant, however the possibility it may be a rare benign variant cannot be excluded.

Juno Genomics, Hangzhou Juno Genomics, Inc
Classification: Pathogenic for Thyroid dyshormonogenesis 6. Review status: criteria provided, single submitter. Criteria: ACMG Guidelines, 2015. Collection method: clinical testing. Allele origin: germline. Affected: yes.
Comment: Absent from controls (or at extremely low frequency if recessive) in Genome Aggregation Database, Exome Sequencing Project, 1000 Genomes Project, or Exome Aggregation Consortium.;Null variant in a gene where loss of function (LOF) is a known mechanism of disease.;For recessive disorders, detected in trans with a pathogenic variant.;Patient's phenotype or family history is highly specific for a disease with a single genetic etiology.

Literature cited by the submitters: PubMed 12110737 (cited by Labcorp Genetics (formerly Invitae), Labcorp); PubMed 18765513 (cited by Labcorp Genetics (formerly Invitae), Labcorp); PubMed 21565790 (cited by Labcorp Genetics (formerly Invitae), Labcorp); PubMed 24423310 (cited by Labcorp Genetics (formerly Invitae), Labcorp); PubMed 24735383 (cited by Labcorp Genetics (formerly Invitae), Labcorp); PubMed 26349762 (cited by Labcorp Genetics (formerly Invitae), Labcorp and Illumina Laboratory Services, Illumina); PubMed 27108200 (cited by Labcorp Genetics (formerly Invitae), Labcorp and Illumina Laboratory Services, Illumina).

NM_001363711.2(DUOX2):c.3340del (p.Leu1114fs)

Gene: DUOX2 (dual oxidase 2; minus strand). Cytogenetic location: 15q21.1.
Variant type: Deletion.
Coding change: c.3340del on transcript NM_001363711.2 (MANE Select); coding-DNA position 3340, one base deleted (C; older notation c.3340delC).
Protein change: p.Leu1114fs; shifts the reading frame from leucine 1114.
Molecular consequence: frameshift variant.
Genome position (GRCh38, 1-based): chr15:45,099,737, G deleted on the plus strand (C on the coding strand, the reverse complement: DUOX2 is on the minus strand); the first of 2 consecutive G bases (chr15:45,099,737-45,099,738); deleting either gives the same sequence. VCF-style (leftmost placement, unchanged base first): chr15-45099736-AG-A. GRCh37 (hg19) VCF-style: chr15-45391934-AG-A.
Other names: c.3340del, p.Leu1114fs (NM_014080.5); c.3340delC (NM_014080.4); short protein forms L1114fs.
Identifiers: ClinVar variation 420593 (VCV000420593.11), dbSNP rs748194265, ClinGen allele CA7537913.